The following is an entry in ClinVar:

ClinVar aggregate classification (germline): Pathogenic (1 of 4 stars; one submission).

Conditions:
Joubert syndrome 3 (JBTS3). Also called: AHI1-related Ciliopathy. Identifiers: Orphanet 220493, MedGen C1837713, MONDO:0012078, OMIM 608629.

Submission:

Myriad Genetics, Inc.
Classification: Pathogenic for Joubert syndrome 3. Last evaluated: 2025-08-03. Review status: criteria provided, single submitter. Criteria: Myriad Autosomal Dominant, Autosomal Recessive and X-Linked Classification Criteria (2023). Collection method: clinical testing. Allele origin: unknown.
Comment: NM_001134831.1(AHI1):c.1008delA(K336Nfs*25) is expected to be pathogenic in the context of Joubert syndrome, AHI1-related. This variant is predicted to lead to an abnormal or absent protein product due to the creation of a premature termination codon in AHI1, a gene where loss-of-function variants are known to be pathogenic. Please note: this variant was assessed in the context of healthy population screening.

NM_001134831.2(AHI1):c.1008del (p.Lys336fs)

Gene: AHI1 (Abelson helper integration site 1; minus strand). Cytogenetic location: 6q23.3.
Variant type: Deletion.
Coding change: c.1008del on transcript NM_001134831.2 (MANE Select); coding-DNA position 1008, one base deleted (A; older notation c.1008delA).
Protein change: p.Lys336fs; shifts the reading frame from lysine 336.
Molecular consequence: frameshift variant.
Genome position (GRCh38, 1-based): chr6:135,457,637, T deleted on the plus strand (A on the coding strand, the reverse complement: AHI1 is on the minus strand); the first of 3 consecutive T bases (chr6:135,457,637-135,457,639); deleting any one gives the same sequence. VCF-style (leftmost placement, unchanged base first): chr6-135457636-AT-A. GRCh37 (hg19) VCF-style: chr6-135778774-AT-A.
Other names: c.1008del, p.Lys336fs (NM_001134830.2, NM_001134832.2, NM_001350503.2 and 2 more transcripts); short protein forms K336fs.
Identifiers: ClinVar variation 5014808 (VCV005014808.1).